The following is an entry in ClinVar:

NM_144687.4(NLRP12):c.2471G>A (p.Gly824Asp)

Gene: NLRP12 (NLR family pyrin domain containing 12; minus strand). Cytogenetic location: 19q13.42.
Variant type: single nucleotide variant.
Coding change: c.2471G>A on transcript NM_144687.4 (MANE Select); coding-DNA position 2471, G replaced by A.
Protein change: p.Gly824Asp; replaces glycine 824 with aspartic acid.
Molecular consequence: missense variant.
Genome position (GRCh38, 1-based): chr19:53,804,066, C>T on the plus strand (G>A on the coding strand, the complement: NLRP12 is on the minus strand). VCF-style: chr19-53804066-C-T. GRCh37 (hg19) VCF-style: chr19-54307320-C-T.
Other names: c.2474G>A, p.Gly825Asp (NM_001277126.2); c.2471G>A, p.Gly824Asp (NM_001277129.1); short protein forms G824D, G825D.
Identifiers: ClinVar variation 2011625 (VCV002011625.4), dbSNP rs1451102777, ClinGen allele CA407409541.

ClinVar aggregate classification (germline): Uncertain significance (1 of 4 stars; one submission).

Conditions:
Familial cold autoinflammatory syndrome 2 (FCAS2). Identifiers: Orphanet 247868, MedGen C2673198, MONDO:0012724, OMIM 611762.

Submission:

Labcorp Genetics (formerly Invitae), Labcorp
Classification: Uncertain significance for Familial cold autoinflammatory syndrome 2. Last evaluated: 2022-09-07. Review status: criteria provided, single submitter. Criteria: Invitae Variant Classification Sherloc (09022015). Collection method: clinical testing. Allele origin: germline.
Comment: This sequence change replaces glycine, which is neutral and non-polar, with aspartic acid, which is acidic and polar, at codon 824 of the NLRP12 protein (p.Gly824Asp). This variant is not present in population databases (gnomAD no frequency). This variant has not been reported in the literature in individuals affected with NLRP12-related conditions. Algorithms developed to predict the effect of missense changes on protein structure and function (SIFT, PolyPhen-2, Align-GVGD) all suggest that this variant is likely to be tolerated. In summary, the available evidence is currently insufficient to determine the role of this variant in disease. Therefore, it has been classified as a Variant of Uncertain Significance.